The following is an entry in ClinVar:

ClinVar aggregate classification (germline): Uncertain significance (1 of 4 stars; one submission).

Conditions:
Acrocallosal syndrome (ACLS). Also called: Schinzel syndrome 1; Absence of corpus callosum with unusual facial appearance, mental deficiency, duplication of the halluces and polydactyly; HALLUX DUPLICATION, POSTAXIAL POLYDACTYLY, AND ABSENCE OF CORPUS CALLOSUM. Identifiers: Orphanet 36, MedGen C0796147, MONDO:0008708, OMIM 200990.

Allele frequency attached by ClinVar (database versions not stated): TOPMed below 0.00001; gnomAD 0.00001.
gnomAD v4.1: 1 of 1,595,012 alleles (0.000063%); highest among the groups gnomAD compares: Non-Finnish European, 0.000085%; no homozygotes.

Submission:

Labcorp Genetics (formerly Invitae), Labcorp
Classification: Uncertain significance for Acrocallosal syndrome. Last evaluated: 2021-10-27. Review status: criteria provided, single submitter. Criteria: Invitae Variant Classification Sherloc (09022015). Collection method: clinical testing. Allele origin: germline.
Comment: In summary, the available evidence is currently insufficient to determine the role of this variant in disease. Therefore, it has been classified as a Variant of Uncertain Significance. Algorithms developed to predict the effect of missense changes on protein structure and function (SIFT, PolyPhen-2, Align-GVGD) all suggest that this variant is likely to be disruptive. This sequence change replaces glutamic acid, a(n) acidic and polar amino acid, with glycine, a(n) neutral and non-polar amino acid, at codon 1057 of the KIF7 protein (p.Glu1057Gly). This variant is not present in population databases (gnomAD no frequency). This variant has not been reported in the literature in individuals affected with KIF7-related conditions.

NM_198525.3(KIF7):c.3170A>G (p.Glu1057Gly)

Gene: KIF7 (kinesin family member 7; minus strand). Cytogenetic location: 15q26.1.
Variant type: single nucleotide variant.
Coding change: c.3170A>G on transcript NM_198525.3 (MANE Select); coding-DNA position 3170, A replaced by G.
Protein change: p.Glu1057Gly; replaces glutamic acid 1057 with glycine.
Molecular consequence: missense variant.
Genome position (GRCh38, 1-based): chr15:89,630,435, T>C on the plus strand (A>G on the coding strand, the complement: KIF7 is on the minus strand). VCF-style: chr15-89630435-T-C. GRCh37 (hg19) VCF-style: chr15-90173666-T-C.
Other names: short protein forms E1057G.
Identifiers: ClinVar variation 1393664 (VCV001393664.6), dbSNP rs1963648189, ClinGen allele CA393756103.